The following is an entry in ClinVar:

ClinVar aggregate classification (germline): Conflicting classifications of pathogenicity. Review status: criteria provided, conflicting classifications (1 of 4 stars). 3 submissions from 3 submitters: Likely pathogenic (1); Uncertain significance (2). Last evaluated 2025-08-17.

Submissions (3):

Labcorp Genetics (formerly Invitae), Labcorp
Classification: Likely pathogenic. Last evaluated: 2025-08-17. Review status: criteria provided, single submitter. Criteria: Invitae Variant Classification Sherloc (09022015). Collection method: clinical testing. Allele origin: germline.
Comment: This sequence change affects a splice site in intron 3 of the PDE6H gene. It is expected to disrupt RNA splicing. Variants that disrupt the donor or acceptor splice site typically lead to a loss of protein function (PMID: 16199547), and loss-of-function variants in PDE6H are known to be pathogenic (PMID: 22901948, 27472364). This variant is present in population databases (no rsID available, gnomAD no frequency). This variant has not been reported in the literature in individuals affected with PDE6H-related conditions. ClinVar contains an entry for this variant (Variation ID: 3897187). Algorithms developed to predict the effect of sequence changes on RNA splicing suggest that this variant may disrupt the consensus splice site. In summary, the currently available evidence indicates that the variant is pathogenic, but additional data are needed to prove that conclusively. Therefore, this variant has been classified as Likely Pathogenic.

GeneDx
Classification: Uncertain significance. Last evaluated: 2024-11-04. Review status: criteria provided, single submitter. Criteria: GeneDx Variant Classification Process June 2021. Collection method: clinical testing. Allele origin: germline. Affected: yes.
Comment: Not observed at significant frequency in large population cohorts (gnomAD); Canonical splice site variant in a gene for which loss-of-function is not a known mechanism of disease; Has not been previously published as pathogenic or benign to our knowledge

Blueprint Genetics
Classification: Uncertain significance. Last evaluated: 2020-05-28. Review status: criteria provided, single submitter. Criteria: ACMG Guidelines, 2015. Collection method: clinical testing. Allele origin: germline.

Literature cited by the submitters: PubMed 16199547 (cited by Labcorp Genetics (formerly Invitae), Labcorp); PubMed 22901948 (cited by Labcorp Genetics (formerly Invitae), Labcorp); PubMed 27472364 (cited by Labcorp Genetics (formerly Invitae), Labcorp).

NM_006205.3(PDE6H):c.175+1_175+5del

Gene: PDE6H (phosphodiesterase 6H; plus strand). Cytogenetic location: 12p12.3.
Variant type: Deletion.
Coding change: c.175+1_175+5del on transcript NM_006205.3 (MANE Select); the canonical splice donor site of the intron after coding-DNA position 175 through 5 bases into the intron after coding-DNA position 175, 5 bases deleted (GTAAG; older notation c.175+1_175+5delGTAAG).
Molecular consequence: splice donor variant.
Genome position (GRCh38, 1-based): chr12:14,979,220-14,979,224, GTAAG deleted; deleting any 5 consecutive bases within chr12:14,979,218-14,979,224 gives the same sequence; the c. name uses the placement nearest the transcript's 3' end. VCF-style (leftmost placement, unchanged base first): chr12-14979217-CAGGTA-C. GRCh37 (hg19) VCF-style: chr12-15132151-CAGGTA-C.
Identifiers: ClinVar variation 3897187 (VCV003897187.3).